The following is an entry in ClinVar:

ClinVar aggregate classification (germline): Uncertain significance (1 of 4 stars; one submission).

Conditions:
Dilated cardiomyopathy 1JJ (CMD1JJ). Identifiers: Orphanet 154, MedGen C3808935, MONDO:0014095, OMIM 615235.

Submission:

Labcorp Genetics (formerly Invitae), Labcorp
Classification: Uncertain significance for Dilated cardiomyopathy 1JJ. Last evaluated: 2024-11-15. Review status: criteria provided, single submitter. Criteria: Invitae Variant Classification Sherloc (09022015). Collection method: clinical testing. Allele origin: germline.
Comment: This sequence change replaces glycine, which is neutral and non-polar, with alanine, which is neutral and non-polar, at codon 253 of the LAMA4 protein (p.Gly253Ala). This variant is not present in population databases (gnomAD no frequency). This variant has not been reported in the literature in individuals affected with LAMA4-related conditions. ClinVar contains an entry for this variant (Variation ID: 2078454). An algorithm developed to predict the effect of missense changes on protein structure and function (PolyPhen-2) suggests that this variant is likely to be disruptive. In summary, the available evidence is currently insufficient to determine the role of this variant in disease. Therefore, it has been classified as a Variant of Uncertain Significance.

NM_001105206.3(LAMA4):c.758G>C (p.Gly253Ala)

Gene: LAMA4 (laminin subunit alpha 4; minus strand). Cytogenetic location: 6q21.
Variant type: single nucleotide variant.
Coding change: c.758G>C on transcript NM_001105206.3 (MANE Select); coding-DNA position 758, G replaced by C.
Protein change: p.Gly253Ala; replaces glycine 253 with alanine.
Molecular consequence: missense variant.
Genome position (GRCh38, 1-based): chr6:112,189,166, C>G on the plus strand (G>C on the coding strand, the complement: LAMA4 is on the minus strand). VCF-style: chr6-112189166-C-G. GRCh37 (hg19) VCF-style: chr6-112510368-C-G.
Other names: c.758G>C, p.Gly253Ala (NM_001105207.3, NM_002290.5); short protein forms G253A.
Identifiers: ClinVar variation 2078454 (VCV002078454.4), dbSNP rs2547145393, ClinGen allele CA365376725.